The following is an entry in ClinVar:

ClinVar aggregate classification (germline): Uncertain significance (1 of 4 stars; one submission).

Submission:

GeneDx
Classification: Uncertain significance. Last evaluated: 2025-05-01. Review status: criteria provided, single submitter. Criteria: GeneDx Variant Classification Process June 2021. Collection method: clinical testing. Allele origin: germline. Affected: yes.
Comment: Not observed at significant frequency in large population cohorts (gnomAD); In-frame deletion of 1 amino acid(s) in a non-repeat region; In silico analysis supports a deleterious effect on protein structure/function; Has not been previously published as pathogenic or benign to our knowledge

NM_006767.4(LZTR1):c.2033_2035del (p.Arg678del)

Gene: LZTR1 (leucine zipper like post translational regulator 1; plus strand). Cytogenetic location: 22q11.21.
Variant type: Deletion.
Coding change: c.2033_2035del on transcript NM_006767.4 (MANE Select); coding-DNA positions 2033 to 2035, 3 bases deleted (GGC; older notation c.2033_2035delGGC).
Protein change: p.Arg678del; deletes arginine 678.
Genome position (GRCh38, 1-based): chr22:20,995,836-20,995,838, GGC deleted; deleting any 3 consecutive bases within chr22:20,995,835-20,995,838 gives the same sequence; the c. name uses the placement nearest the transcript's 3' end. VCF-style (leftmost placement, unchanged base first): chr22-20995834-ACGG-A. GRCh37 (hg19) VCF-style: chr22-21350123-ACGG-A.
Other names: short protein forms R678del.
Identifiers: ClinVar variation 4527667 (VCV004527667.1).